The following is an entry in ClinVar:

NM_001177316.2(SLC34A3):c.937T>C (p.Phe313Leu)

Gene: SLC34A3 (solute carrier family 34 member 3; plus strand). Cytogenetic location: 9q34.3.
Variant type: single nucleotide variant.
Coding change: c.937T>C on transcript NM_001177316.2 (MANE Select); coding-DNA position 937, T replaced by C.
Protein change: p.Phe313Leu; replaces phenylalanine 313 with leucine.
Molecular consequence: missense variant.
Genome position (GRCh38, 1-based): chr9:137,234,120, T>C. VCF-style: chr9-137234120-T-C. GRCh37 (hg19) VCF-style: chr9-140128572-T-C.
Other names: c.937T>C, p.Phe313Leu (NM_001177317.2, NM_080877.3); short protein forms F313L.
Identifiers: ClinVar variation 3623634 (VCV003623634.2).

ClinVar aggregate classification (germline): Uncertain significance (1 of 4 stars; one submission).

gnomAD v4.1: 4 of 1,567,166 alleles (0.00026%); highest among the groups gnomAD compares: Admixed American, 0.0035%; no homozygotes.

Submission:

Labcorp Genetics (formerly Invitae), Labcorp
Classification: Uncertain significance. Last evaluated: 2024-06-24. Review status: criteria provided, single submitter. Criteria: Invitae Variant Classification Sherloc (09022015). Collection method: clinical testing. Allele origin: germline.
Comment: This sequence change replaces phenylalanine, which is neutral and non-polar, with leucine, which is neutral and non-polar, at codon 313 of the SLC34A3 protein (p.Phe313Leu). The frequency data for this variant in the population databases is considered unreliable, as metrics indicate poor data quality at this position in the gnomAD database. This variant has not been reported in the literature in individuals affected with SLC34A3-related conditions. Advanced modeling of protein sequence and biophysical properties (such as structural, functional, and spatial information, amino acid conservation, physicochemical variation, residue mobility, and thermodynamic stability) performed at Invitae indicates that this missense variant is not expected to disrupt SLC34A3 protein function with a negative predictive value of 80%. In summary, the available evidence is currently insufficient to determine the role of this variant in disease. Therefore, it has been classified as a Variant of Uncertain Significance.